The following is an entry in ClinVar:

NM_031407.7(HUWE1):c.10145G>A (p.Ser3382Asn)

Gene: HUWE1 (HECT, UBA and WWE domain containing E3 ubiquitin protein ligase 1; minus strand). Cytogenetic location: Xp11.22.
Variant type: single nucleotide variant.
Coding change: c.10145G>A on transcript NM_031407.7 (MANE Select); coding-DNA position 10145, G replaced by A.
Protein change: p.Ser3382Asn; replaces serine 3382 with asparagine.
Molecular consequence: missense variant.
Genome position (GRCh38, 1-based): chrX:53,548,164, C>T on the plus strand (G>A on the coding strand, the complement: HUWE1 is on the minus strand). VCF-style: chrX-53548164-C-T. GRCh37 (hg19) VCF-style: chrX-53575125-C-T.
Other names: c.10142G>A, p.Ser3381Asn (NM_001441048.1, NM_001441051.1, NM_001441053.1 and 2 more transcripts); c.10145G>A, p.Ser3382Asn (NM_001441049.1, NM_001441054.1, NM_001441057.1); c.10166G>A, p.Ser3389Asn (NM_001441050.1, NM_001441055.1); c.9743G>A, p.Ser3248Asn (NM_001441052.1); short protein forms S3248N, S3381N, S3382N, S3389N.
Identifiers: ClinVar variation 4536720 (VCV004536720.1).

ClinVar aggregate classification (germline): Uncertain significance (1 of 4 stars; one submission).

Submission:

Women's Health and Genetics/Laboratory Corporation of America, LabCorp
Classification: Uncertain significance. Last evaluated: 2025-11-13. Review status: criteria provided, single submitter. Criteria: LabCorp Variant Classification Summary - May 2015. Collection method: clinical testing. Allele origin: germline.
Comment: Variant summary: HUWE1 c.10145G>A (p.Ser3382Asn) results in a conservative amino acid change in the encoded protein sequence. Algorithms developed to predict the effect of missense changes on protein structure and function are either unavailable or do not agree on the potential impact of this missense change. The variant was absent in 173030 control chromosomes (gnomAD). The available data on variant occurrences in the general population are insufficient to allow any conclusion about variant significance. To our knowledge, no occurrence of c.10145G>A in individuals affected with HUWE1-related conditions and no experimental evidence demonstrating its impact on protein function have been reported. No submitters have cited clinical-significance assessments for this variant to ClinVar. Based on the evidence outlined above, the variant was classified as uncertain significance.